The following is an entry in ClinVar:

NM_001360016.2(G6PD):c.1146C>G (p.His382Gln)

Gene: G6PD (glucose-6-phosphate dehydrogenase; minus strand). Cytogenetic location: Xq28.
Variant type: single nucleotide variant.
Coding change: c.1146C>G on transcript NM_001360016.2 (MANE Select); coding-DNA position 1146, C replaced by G.
Protein change: p.His382Gln; replaces histidine 382 with glutamine.
Molecular consequence: missense variant.
Genome position (GRCh38, 1-based): chrX:154,532,708, G>C on the plus strand (C>G on the coding strand, the complement: G6PD is on the minus strand). VCF-style: chrX-154532708-G-C. GRCh37 (hg19) VCF-style: chrX-153760923-G-C.
Other names: c.1236C>G, p.His412Gln (NM_000402.4); c.1146C>G, p.His382Gln (NM_001042351.3); short protein forms H382Q, H412Q.
Identifiers: ClinVar variation 2067170 (VCV002067170.1), dbSNP rs138746997, ClinGen allele CA10566073.

ClinVar aggregate classification (germline): Uncertain significance (1 of 4 stars; one submission).

Conditions:
Anemia, nonspherocytic hemolytic, due to G6PD deficiency (CNSHA1). Also called: Hemolytic anemia due to G6PD deficiency; ANEMIA, CONGENITAL, NONSPHEROCYTIC HEMOLYTIC, 1; Class I glucose-6-phosphate dehydrogenase deficiency; Favism, susceptibility to. Identifiers: Orphanet 466026, MedGen C2720289, MONDO:0010480, OMIM 300908.

Allele frequency attached by ClinVar (database versions not stated): gnomAD exomes 0.00003; ExAC 0.00004; gnomAD 0.00005; TOPMed 0.00005; ESP Exome Variant Server 0.00009.
gnomAD v4.1: 40 of 1,211,142 alleles (0.0033%); highest among the groups gnomAD compares: Non-Finnish European, 0.0042%; no homozygotes.

Submission:

Labcorp Genetics (formerly Invitae), Labcorp
Classification: Uncertain significance for Anemia, nonspherocytic hemolytic, due to G6PD deficiency. Last evaluated: 2021-10-27. Review status: criteria provided, single submitter. Criteria: Invitae Variant Classification Sherloc (09022015). Collection method: clinical testing. Allele origin: germline.
Comment: This sequence change replaces histidine, which is basic and polar, with glutamine, which is neutral and polar, at codon 382 of the G6PD protein (p.His382Gln). This variant is present in population databases (rs138746997, gnomAD 0.004%). This variant has not been reported in the literature in individuals affected with G6PD-related conditions. Advanced modeling of protein sequence and biophysical properties (such as structural, functional, and spatial information, amino acid conservation, physicochemical variation, residue mobility, and thermodynamic stability) performed at Invitae indicates that this missense variant is not expected to disrupt G6PD protein function. Algorithms developed to predict the effect of sequence changes on RNA splicing suggest that this variant may create or strengthen a splice site. In summary, the available evidence is currently insufficient to determine the role of this variant in disease. Therefore, it has been classified as a Variant of Uncertain Significance.